The following is an entry in ClinVar:

ClinVar aggregate classification (germline): Uncertain significance (1 of 4 stars; one submission).

gnomAD v4.1: 3 of 1,612,310 alleles (0.00019%); highest among the groups gnomAD compares: Admixed American, 0.005%; no homozygotes.

Submission:

Labcorp Genetics (formerly Invitae), Labcorp
Classification: Uncertain significance. Last evaluated: 2024-01-24. Review status: criteria provided, single submitter. Criteria: Invitae Variant Classification Sherloc (09022015). Collection method: clinical testing. Allele origin: germline.
Comment: This sequence change replaces serine, which is neutral and polar, with isoleucine, which is neutral and non-polar, at codon 264 of the GCKR protein (p.Ser264Ile). This variant is not present in population databases (gnomAD no frequency). This variant has not been reported in the literature in individuals affected with GCKR-related conditions. Advanced modeling of protein sequence and biophysical properties (such as structural, functional, and spatial information, amino acid conservation, physicochemical variation, residue mobility, and thermodynamic stability) performed at Invitae indicates that this missense variant is expected to disrupt GCKR protein function with a positive predictive value of 80%. In summary, the available evidence is currently insufficient to determine the role of this variant in disease. Therefore, it has been classified as a Variant of Uncertain Significance.

NM_001486.4(GCKR):c.791G>T (p.Ser264Ile)

Gene: GCKR (glucokinase regulator; plus strand). Cytogenetic location: 2p23.3.
Variant type: single nucleotide variant.
Coding change: c.791G>T on transcript NM_001486.4 (MANE Select); coding-DNA position 791, G replaced by T.
Protein change: p.Ser264Ile; replaces serine 264 with isoleucine.
Molecular consequence: missense variant.
Genome position (GRCh38, 1-based): chr2:27,505,758, G>T. VCF-style: chr2-27505758-G-T. GRCh37 (hg19) VCF-style: chr2-27728625-G-T.
Other names: short protein forms S264I.
Identifiers: ClinVar variation 3621945 (VCV003621945.2).
Genomic context (GRCh38, chr2:27,505,758, plus strand): 5'-GGGTGTCTTCACCTCTTCAGCCCGAGGGTCTCAGCGGCTCCTCCCGGATGAAAGGTGGAA[G>T]TGCCACCAAGATTCTGCTGGAAACCCTGTTATTAGCAGCCCATAAGACTGTGGACCAGGG-3'
Protein context (NP_001477.2, residues 254-274): LSGSSRMKGG[Ser264Ile]ATKILLETLL